The following is an entry in ClinVar:

NM_207352.4(CYP4V2):c.1423A>G (p.Met475Val)

Gene: CYP4V2 (cytochrome P450 family 4 subfamily V member 2; plus strand). Cytogenetic location: 4q35.2.
Variant type: single nucleotide variant.
Coding change: c.1423A>G on transcript NM_207352.4 (MANE Select); coding-DNA position 1423, A replaced by G.
Protein change: p.Met475Val; replaces methionine 475 with valine.
Molecular consequence: missense variant.
Genome position (GRCh38, 1-based): chr4:186,210,486, A>G. VCF-style: chr4-186210486-A-G. GRCh37 (hg19) VCF-style: chr4-187131640-A-G.
Other names: short protein forms M475V.
Identifiers: ClinVar variation 348314 (VCV000348314.16), dbSNP rs762821992, ClinGen allele CA3162860.
Genomic context (GRCh38, chr4:186,210,486, plus strand): 5'-GTAAATCTATAACTAAAGCGATGGTATCTACATTAATTTGAAGGTCAAAAGTTTGCTGTG[A>G]TGGAAGAAAAGACCATTCTTTCGTGCATCCTGAGGCACTTTTGGATAGAATCCAACCAGA-3'
Protein context (NP_997235.3, residues 465-485): RNCIGQKFAV[Met475Val]EEKTILSCIL

ClinVar aggregate classification (germline): Uncertain significance. Review status: criteria provided, multiple submitters, no conflicts (2 of 4 stars). 4 submissions from 3 submitters: Uncertain significance (4). Last evaluated 2022-02-08.

Conditions:
Corneal dystrophy. Identifiers: Orphanet 34533, MedGen C0010036, MONDO:0018102, HP:0001131.
Bietti crystalline corneoretinal dystrophy (BCD). Also called: Bietti Crystalline Dystrophy; BIETTI TAPETORETINAL DEGENERATION WITH MARGINAL CORNEAL DYSTROPHY. Identifiers: Orphanet 41751, MedGen C1859486, MONDO:0008865, OMIM 210370.

Allele frequency attached by ClinVar (database versions not stated): ExAC 0.00001; gnomAD exomes 0.00001; TOPMed 0.00002; gnomAD 0.00003.
gnomAD v4.1: 63 of 1,614,030 alleles (0.0039%); highest among the groups gnomAD compares: Non-Finnish European, 0.0049%; no homozygotes.

Submissions (4):

Labcorp Genetics (formerly Invitae), Labcorp
Classification: Uncertain significance. Last evaluated: 2022-02-08. Review status: criteria provided, single submitter. Criteria: Invitae Variant Classification Sherloc (09022015). Collection method: clinical testing. Allele origin: germline.
Comment: This sequence change replaces methionine, which is neutral and non-polar, with valine, which is neutral and non-polar, at codon 475 of the CYP4V2 protein (p.Met475Val). This variant is present in population databases (rs762821992, gnomAD 0.0009%). This variant has not been reported in the literature in individuals affected with CYP4V2-related conditions. ClinVar contains an entry for this variant (Variation ID: 348314). Advanced modeling of protein sequence and biophysical properties (such as structural, functional, and spatial information, amino acid conservation, physicochemical variation, residue mobility, and thermodynamic stability) performed at Invitae indicates that this missense variant is not expected to disrupt CYP4V2 protein function. In summary, the available evidence is currently insufficient to determine the role of this variant in disease. Therefore, it has been classified as a Variant of Uncertain Significance.

Blueprint Genetics
Classification: Uncertain significance. Last evaluated: 2020-08-06. Review status: criteria provided, single submitter. Criteria: ACMG Guidelines, 2015. Collection method: clinical testing. Allele origin: germline.

Illumina Laboratory Services, Illumina
Classification: Uncertain significance for Corneal dystrophy. Last evaluated: 2018-01-12. Review status: criteria provided, single submitter. Criteria: ICSL Variant Classification Criteria 13 December 2019. Collection method: clinical testing. Allele origin: germline.

Illumina Laboratory Services, Illumina
Classification: Uncertain significance for Bietti crystalline corneoretinal dystrophy. Last evaluated: 2018-01-12. Review status: criteria provided, single submitter. Criteria: ICSL Variant Classification Criteria 13 December 2019. Collection method: clinical testing. Allele origin: germline.